The following is an entry in ClinVar:

NM_001690.4(ATP6V1A):c.1712G>A (p.Arg571His)

Gene: ATP6V1A (ATPase H+ transporting V1 subunit A; plus strand). Cytogenetic location: 3q13.31.
Variant type: single nucleotide variant.
Coding change: c.1712G>A on transcript NM_001690.4 (MANE Select); coding-DNA position 1712, G replaced by A.
Protein change: p.Arg571His; replaces arginine 571 with histidine.
Molecular consequence: missense variant.
Genome position (GRCh38, 1-based): chr3:113,805,476, G>A. VCF-style: chr3-113805476-G-A. GRCh37 (hg19) VCF-style: chr3-113524323-G-A.
Other names: c.1712G>A (NM_001690.3); short protein forms R571H.
Identifiers: ClinVar variation 3024007 (VCV003024007.4), dbSNP rs967814341, ClinGen allele CA81600845.

ClinVar aggregate classification (germline): Uncertain significance. Review status: criteria provided, multiple submitters, no conflicts (2 of 4 stars). 2 submissions from 2 submitters: Uncertain significance (2). Last evaluated 2025-03-28.

Conditions:
Inborn genetic diseases. Identifiers: MedGen C0950123, MeSH D030342.

Allele frequency attached by ClinVar (database versions not stated): gnomAD exomes below 0.00001; gnomAD 0.00003.
gnomAD v4.1: 10 of 1,613,886 alleles (0.00062%); highest among the groups gnomAD compares: African/African-American, 0.0027%; no homozygotes.

Submissions (2):

Ambry Genetics
Classification: Uncertain significance for Inborn genetic diseases. Last evaluated: 2025-03-28. Review status: criteria provided, single submitter. Criteria: Ambry Variant Classification Scheme 2023. Collection method: clinical testing. Allele origin: germline.

Labcorp Genetics (formerly Invitae), Labcorp
Classification: Uncertain significance. Last evaluated: 2024-01-22. Review status: criteria provided, single submitter. Criteria: Invitae Variant Classification Sherloc (09022015). Collection method: clinical testing. Allele origin: germline.
Comment: This sequence change replaces arginine, which is basic and polar, with histidine, which is basic and polar, at codon 571 of the ATP6V1A protein (p.Arg571His). This variant is present in population databases (no rsID available, gnomAD 0.004%). This variant has not been reported in the literature in individuals affected with ATP6V1A-related conditions. Advanced modeling of protein sequence and biophysical properties (such as structural, functional, and spatial information, amino acid conservation, physicochemical variation, residue mobility, and thermodynamic stability) performed at Invitae indicates that this missense variant is not expected to disrupt ATP6V1A protein function with a negative predictive value of 80%. In summary, the available evidence is currently insufficient to determine the role of this variant in disease. Therefore, it has been classified as a Variant of Uncertain Significance.